The following is an entry in ClinVar:

ClinVar aggregate classification (germline): Uncertain significance. Review status: criteria provided, multiple submitters, no conflicts (2 of 4 stars). 2 submissions from 2 submitters: Uncertain significance (2). Last evaluated 2025-11-08.

Conditions:
Inborn genetic diseases. Identifiers: MedGen C0950123, MeSH D030342.
Vici syndrome (VICIS). Identifiers: Orphanet 1493, MedGen C1855772, MONDO:0009452, OMIM 242840.

Allele frequency attached by ClinVar (database versions not stated): gnomAD exomes below 0.00001.
gnomAD v4.1: 2 of 1,614,212 alleles (0.00012%); highest among the groups gnomAD compares: East Asian, 0.0045%; no homozygotes.

Submissions (2):

Ambry Genetics
Classification: Uncertain significance for Inborn genetic diseases. Last evaluated: 2025-11-08. Review status: criteria provided, single submitter. Criteria: Ambry Variant Classification Scheme 2023. Collection method: clinical testing. Allele origin: germline.

Labcorp Genetics (formerly Invitae), Labcorp
Classification: Uncertain significance for Vici syndrome. Last evaluated: 2022-03-31. Review status: criteria provided, single submitter. Criteria: Invitae Variant Classification Sherloc (09022015). Collection method: clinical testing. Allele origin: germline.
Comment: In summary, the available evidence is currently insufficient to determine the role of this variant in disease. Therefore, it has been classified as a Variant of Uncertain Significance. Algorithms developed to predict the effect of missense changes on protein structure and function are either unavailable or do not agree on the potential impact of this missense change (SIFT: "Deleterious"; PolyPhen-2: "Probably Damaging"; Align-GVGD: "Class C0"). This variant has not been reported in the literature in individuals affected with EPG5-related conditions. This variant is not present in population databases (gnomAD no frequency). This sequence change replaces cysteine, which is neutral and slightly polar, with tyrosine, which is neutral and polar, at codon 1021 of the EPG5 protein (p.Cys1021Tyr).

NM_020964.3(EPG5):c.3062G>A (p.Cys1021Tyr)

Gene: EPG5 (ectopic P-granules 5 autophagy tethering factor; minus strand). Cytogenetic location: 18q21.1.
Variant type: single nucleotide variant.
Coding change: c.3062G>A on transcript NM_020964.3 (MANE Select); coding-DNA position 3062, G replaced by A.
Protein change: p.Cys1021Tyr; replaces cysteine 1021 with tyrosine.
Molecular consequence: missense variant.
Genome position (GRCh38, 1-based): chr18:45,922,377, C>T on the plus strand (G>A on the coding strand, the complement: EPG5 is on the minus strand). VCF-style: chr18-45922377-C-T. GRCh37 (hg19) VCF-style: chr18-43502343-C-T.
Other names: c.3062G>A, p.Cys1021Tyr (NM_001410858.1, NM_001410859.1); c.3062G>A (NM_020964.2); short protein forms C1021Y.
Identifiers: ClinVar variation 2066722 (VCV002066722.5), dbSNP rs2050175508, ClinGen allele CA402344046.